The following is an entry in ClinVar:

ClinVar aggregate classification (germline): Pathogenic (1 of 4 stars; one submission).

Conditions:
Coffin-Siris syndrome 1 (CSS1). Also called: Mental retardation, autosomal dominant 12; ARID1B-Related Coffin-Siris Syndrome. Identifiers: Orphanet 1465, MedGen C3281201, MONDO:0007617, OMIM 135900. Disease mechanism: gain of function.

Submission:

Greenwood Genetic Center Diagnostic Laboratories, Greenwood Genetic Center
Classification: Pathogenic for Coffin-Siris syndrome 1. Last evaluated: 2023-02-08. Review status: criteria provided, single submitter. Criteria: ACMG Guidelines, 2015. Collection method: clinical testing. Allele origin: germline. Affected: yes.
Comment: PVS1_Strong, PS2, PM2

NM_001374828.1(ARID1B):c.6924del (p.Leu2310fs)

Gene: ARID1B (AT-rich interaction domain 1B; plus strand). Cytogenetic location: 6q25.3.
Variant type: Deletion.
Coding change: c.6924del on transcript NM_001374828.1 (MANE Select); coding-DNA position 6924, one base deleted (G; older notation c.6924delG).
Protein change: p.Leu2310fs; shifts the reading frame from leucine 2310.
Molecular consequence: frameshift variant.
Genome position (GRCh38, 1-based): chr6:157,207,696, G deleted. VCF-style (leftmost placement, unchanged base first): chr6-157207695-CG-C. GRCh37 (hg19) VCF-style: chr6-157528829-CG-C.
Other names: c.6675delG, p.Leu2227Trpfs (NM_001346813.1); c.4425del, p.Leu1477fs (NM_001363725.2); c.6804del, p.Leu2270fs (NM_001371656.1, NM_001374820.1); c.6765del, p.Leu2257fs (NM_017519.3); c.6555delG, p.Leu2187Trpfs (NM_020732.3); c.6342delG, p.Leu2116Trpfs (NM_175863.2); short protein forms L1477fs, L2257fs, L2270fs, L2310fs.
Identifiers: ClinVar variation 2505273 (VCV002505273.1), dbSNP rs2538793280, ClinGen allele CA2580615817.